The following is an entry in ClinVar:

ClinVar aggregate classification (germline): Uncertain significance (1 of 4 stars; one submission).

Conditions:
Familial adenomatous polyposis 1 (FAP1). Also called: FAMILIAL ADENOMATOUS POLYPOSIS 1, ATTENUATED; POLYPOSIS, ADENOMATOUS INTESTINAL. Identifiers: MedGen C2713442, MONDO:0021056, OMIM 175100. Disease mechanism: loss of function.

Submission:

Labcorp Genetics (formerly Invitae), Labcorp
Classification: Uncertain significance for Familial adenomatous polyposis 1. Last evaluated: 2023-07-20. Review status: criteria provided, single submitter. Criteria: Invitae Variant Classification Sherloc (09022015). Collection method: clinical testing. Allele origin: germline.
Comment: Experimental studies and prediction algorithms are not available or were not evaluated, and the functional significance of this variant is currently unknown. A similar copy number variant has been observed in individual(s) with colorectal cancer (PMID: 33309985). This variant results in a copy number gain of the genomic region encompassing exon(s) 2-16 of the APC gene. This region includes the termination codon of the gene. This copy number gain extends beyond the assayed region for this gene and therefore may encompass additional genes. As the precise location of this event is unknown, it may be in tandem or it may be located elsewhere in the genome. In summary, the available evidence is currently insufficient to determine the role of this variant in disease. Therefore, it has been classified as a Variant of Uncertain Significance.

Literature cited by the submitters: PubMed 33309985.

NC_000005.9:g.(?_112090588)_(112179823_?)dup

Gene: APC (APC regulator of Wnt signaling pathway; plus strand). Cytogenetic location: 5q22.2.
Variant type: Duplication.
Identifiers: ClinVar variation 1371819 (VCV001371819.5).